The following is an entry in ClinVar:

NM_001142864.4(PIEZO1):c.4358C>T (p.Thr1453Ile)

Gene: PIEZO1 (piezo type mechanosensitive ion channel component 1 (Er blood group); minus strand). Cytogenetic location: 16q24.3.
Variant type: single nucleotide variant.
Coding change: c.4358C>T on transcript NM_001142864.4 (MANE Select); coding-DNA position 4358, C replaced by T.
Protein change: p.Thr1453Ile; replaces threonine 1453 with isoleucine.
Molecular consequence: missense variant.
Genome position (GRCh38, 1-based): chr16:88,723,306, G>A on the plus strand (C>T on the coding strand, the complement: PIEZO1 is on the minus strand). VCF-style: chr16-88723306-G-A. GRCh37 (hg19) VCF-style: chr16-88789714-G-A.
Other names: short protein forms T1453I.
Identifiers: ClinVar variation 4776414 (VCV004776414.1).

ClinVar aggregate classification (germline): Uncertain significance (1 of 4 stars; one submission).

Submission:

Labcorp Genetics (formerly Invitae), Labcorp
Classification: Uncertain significance. Last evaluated: 2025-05-09. Review status: criteria provided, single submitter. Criteria: Invitae Variant Classification Sherloc (09022015). Collection method: clinical testing. Allele origin: germline.
Comment: This sequence change replaces threonine, which is neutral and polar, with isoleucine, which is neutral and non-polar, at codon 1453 of the PIEZO1 protein (p.Thr1453Ile). This variant is not present in population databases (gnomAD no frequency). This variant has not been reported in the literature in individuals affected with PIEZO1-related conditions. Invitae Evidence Modeling of protein sequence and biophysical properties (such as structural, functional, and spatial information, amino acid conservation, physicochemical variation, residue mobility, and thermodynamic stability) indicates that this missense variant is not expected to disrupt PIEZO1 protein function with a negative predictive value of 80%. In summary, the available evidence is currently insufficient to determine the role of this variant in disease. Therefore, it has been classified as a Variant of Uncertain Significance.